The following is an entry in ClinVar:

ClinVar aggregate classification (germline): Uncertain significance (1 of 4 stars; one submission).

Conditions:
Familial thoracic aortic aneurysm and aortic dissection (TAAD). Also called: Thoracic aortic aneurysms and dissections. Identifiers: Orphanet 91387, MedGen C4707243, MONDO:0019625.

Submission:

Labcorp Genetics (formerly Invitae), Labcorp
Classification: Uncertain significance for Familial thoracic aortic aneurysm and aortic dissection. Last evaluated: 2026-01-26. Review status: criteria provided, single submitter. Criteria: Invitae Variant Classification Sherloc (09022015). Collection method: clinical testing. Allele origin: germline.
Comment: This sequence change creates a premature translational stop signal (p.Tyr108Profs*17) in the TGFBR2 gene. It is expected to result in an absent or disrupted protein product. However, the current clinical and genetic evidence is not sufficient to establish whether loss-of-function variants in TGFBR2 cause disease. This variant is not present in population databases (gnomAD no frequency). This variant has not been reported in the literature in individuals affected with TGFBR2-related conditions. In summary, the available evidence is currently insufficient to determine the role of this variant in disease. Therefore, it has been classified as a Variant of Uncertain Significance.

NM_003242.6(TGFBR2):c.320_321dup (p.Tyr108fs)

Gene: TGFBR2 (transforming growth factor beta receptor 2; plus strand). Cytogenetic location: 3p24.1.
Variant type: Duplication.
Coding change: c.320_321dup on transcript NM_003242.6 (MANE Select); coding-DNA positions 320 to 321, 2 bases duplicated (CC; older notation c.320_321dupCC).
Protein change: p.Tyr108fs; shifts the reading frame from tyrosine 108.
Molecular consequence: frameshift variant. On other transcripts: intron variant (2).
Genome position (GRCh38, 1-based): chr3:30,650,326-30,650,327, CC duplicated; duplicating any 2 consecutive bases within chr3:30,650,324-30,650,327 gives the same sequence; the c. name uses the placement nearest the transcript's 3' end. VCF-style (leftmost placement, unchanged base first): chr3-30650323-T-TCC. GRCh37 (hg19) VCF-style: chr3-30691815-T-TCC.
Other names: c.395_396dup, p.Tyr133fs (NM_001024847.3, NM_001407126.1, NM_001407139.1); c.320_321dup, p.Tyr108fs (NM_001407127.1, NM_001407130.1); c.347_348dup, p.Tyr117fs (NM_001407128.1); c.215_216dup, p.Tyr73fs (NM_001407129.1, NM_001407132.1, NM_001407133.1 and 3 more transcripts); c.170-21312_170-21311dup (NM_001407137.1); c.95-21312_95-21311dup (NM_001407138.1); short protein forms Y108fs, Y73fs, Y117fs, Y133fs.
Identifiers: ClinVar variation 4719657 (VCV004719657.1).